The following is an entry in ClinVar:

NM_003128.3(SPTBN1):c.2827C>G (p.Leu943Val)

Gene: SPTBN1 (spectrin beta, non-erythrocytic 1; plus strand). Cytogenetic location: 2p16.2.
Variant type: single nucleotide variant.
Coding change: c.2827C>G on transcript NM_003128.3 (MANE Select); coding-DNA position 2827, C replaced by G.
Protein change: p.Leu943Val; replaces leucine 943 with valine.
Molecular consequence: missense variant.
Genome position (GRCh38, 1-based): chr2:54,630,874, C>G. VCF-style: chr2-54630874-C-G. GRCh37 (hg19) VCF-style: chr2-54858011-C-G.
Other names: c.2788C>G, p.Leu930Val (NM_178313.3); short protein forms L930V, L943V.
Identifiers: ClinVar variation 3369771 (VCV003369771.1).

ClinVar aggregate classification (germline): Uncertain significance (1 of 4 stars; one submission).

gnomAD v4.1: 1 of 1,595,466 alleles (0.000063%); highest among the groups gnomAD compares: African/African-American, 0.0013%; no homozygotes.

Submission:

GeneDx
Classification: Uncertain significance. Last evaluated: 2024-02-26. Review status: criteria provided, single submitter. Criteria: GeneDx Variant Classification Process June 2021. Collection method: clinical testing. Allele origin: germline. Affected: yes.
Comment: Not observed at significant frequency in large population cohorts (gnomAD); In silico analysis supports that this missense variant does not alter protein structure/function; Has not been previously published as pathogenic or benign to our knowledge